The following is an entry in ClinVar:

ClinVar aggregate classification (germline): Uncertain significance (1 of 4 stars; one submission).

Submission:

MVZ Dr. Eberhard & Partner Dortmund
Classification: Uncertain significance. Last evaluated: 2022-05-27. Review status: criteria provided, single submitter. Criteria: ACMG Guidelines, 2015. Collection method: clinical testing. Allele origin: unknown. Observed: 1 heterozygote.
Comment: This variant probably produces a missense substitution in the protein sequence from Alanine to Glycine. This variant is not present in mutational/population databases and is not reported in literature. Multiple in silico algorithms for analyzing missense variations (e.g. SIFT, Mutation Taster, Polyphen support a deleterious effect on this gene product. Both the amino acid site and nucleotide site seems to be highly conserved. Additionally, the variant is absent from population databases such as gnomAD. At the moment, there is not enough information available to determine the significance of this variant. Thus, the variant is classified as VUS.

NM_000388.4(CASR):c.2639C>G (p.Ala880Gly)

Gene: CASR (calcium sensing receptor; plus strand). Cytogenetic location: 3q21.1.
Variant type: single nucleotide variant.
Coding change: c.2639C>G on transcript NM_000388.4 (MANE Select); coding-DNA position 2639, C replaced by G.
Protein change: p.Ala880Gly; replaces alanine 880 with glycine.
Molecular consequence: missense variant.
Genome position (GRCh38, 1-based): chr3:122,284,593, C>G. VCF-style: chr3-122284593-C-G. GRCh37 (hg19) VCF-style: chr3-122003440-C-G.
Other names: c.2669C>G, p.Ala890Gly (NM_001178065.2); short protein forms A880G, A890G.
Identifiers: ClinVar variation 1802691 (VCV001802691.2), dbSNP rs2473281117, ClinGen allele CA354160466.